The following is an entry in ClinVar:

ClinVar aggregate classification (germline): Likely benign (0 of 4 stars; one submission).

Conditions:
PTPN12-related disorder. Also called: PTPN12-related condition.

Allele frequency attached by ClinVar (database versions not stated): gnomAD exomes below 0.00001; TOPMed below 0.00001; ExAC 0.00001.
gnomAD v4.1: 1 of 1,611,906 alleles (0.000062%); highest among the groups gnomAD compares: Admixed American, 0.0017%; no homozygotes.

Submission:

PreventionGenetics, part of Exact Sciences
Classification: Likely benign for PTPN12-related condition. Last evaluated: 2020-01-20. Review status: no assertion criteria provided. Collection method: clinical testing. Allele origin: germline.
Comment: This variant is classified as likely benign based on ACMG/AMP sequence variant interpretation guidelines (Richards et al. 2015 PMID: 25741868, with internal and published modifications).

NM_002835.4(PTPN12):c.330A>G (p.Leu110=)

Gene: PTPN12 (protein tyrosine phosphatase non-receptor type 12; plus strand). Cytogenetic location: 7q11.23.
Variant type: single nucleotide variant.
Coding change: c.330A>G on transcript NM_002835.4 (MANE Select); coding-DNA position 330, A replaced by G.
Protein change: p.Leu110=; no amino-acid change (leucine 110 retained).
Molecular consequence: synonymous variant. On other transcripts: 5 prime UTR variant (1), intron variant (1).
Genome position (GRCh38, 1-based): chr7:77,583,599, A>G. VCF-style: chr7-77583599-A-G. GRCh37 (hg19) VCF-style: chr7-77212916-A-G.
Other names: c.-28A>G (NM_001131008.2); c.-9-1944A>G (NM_001131009.2).
Identifiers: ClinVar variation 3051438 (VCV003051438.2), dbSNP rs767906152, ClinGen allele CA4311458.